The following is an entry in ClinVar:

ClinVar aggregate classification (germline): Uncertain significance. Review status: criteria provided, multiple submitters, no conflicts (2 of 4 stars). 2 submissions from 2 submitters: Uncertain significance (2). Last evaluated 2025-04-30.

Conditions:
Inborn genetic diseases. Identifiers: MedGen C0950123, MeSH D030342.

Allele frequency attached by ClinVar (database versions not stated): gnomAD exomes 0.00001; ExAC 0.00007.

Submissions (2):

Ambry Genetics
Classification: Uncertain significance for Inborn genetic diseases. Last evaluated: 2025-04-30. Review status: criteria provided, single submitter. Criteria: Ambry Variant Classification Scheme 2023. Collection method: clinical testing. Allele origin: germline.

Labcorp Genetics (formerly Invitae), Labcorp
Classification: Uncertain significance. Last evaluated: 2025-04-07. Review status: criteria provided, single submitter. Criteria: Invitae Variant Classification Sherloc (09022015). Collection method: clinical testing. Allele origin: germline.
Comment: This sequence change replaces glutamic acid, which is acidic and polar, with lysine, which is basic and polar, at codon 344 of the GUCY2C protein (p.Glu344Lys). This variant is present in population databases (rs777940200, gnomAD 0.07%). This variant has not been reported in the literature in individuals affected with GUCY2C-related conditions. ClinVar contains an entry for this variant (Variation ID: 1963494). Invitae Evidence Modeling of protein sequence and biophysical properties (such as structural, functional, and spatial information, amino acid conservation, physicochemical variation, residue mobility, and thermodynamic stability) indicates that this missense variant is not expected to disrupt GUCY2C protein function with a negative predictive value of 80%. In summary, the available evidence is currently insufficient to determine the role of this variant in disease. Therefore, it has been classified as a Variant of Uncertain Significance.

NM_004963.4(GUCY2C):c.1030G>A (p.Glu344Lys)

Genes: GUCY2C (guanylate cyclase 2C; minus strand), GUCY2C-AS1 (GUCY2C antisense RNA 1; plus strand). Cytogenetic location: 12p12.3.
Variant type: single nucleotide variant.
Coding change: c.1030G>A on transcript NM_004963.4 (MANE Select); coding-DNA position 1030, G replaced by A.
Protein change: p.Glu344Lys; replaces glutamic acid 344 with lysine.
Molecular consequence: missense variant.
Genome position (GRCh38, 1-based): chr12:14,674,679, C>T on the plus strand (G>A on the coding strand, the complement: GUCY2C is on the minus strand). VCF-style: chr12-14674679-C-T. GRCh37 (hg19) VCF-style: chr12-14827613-C-T.
Other names: c.1030G>A (NM_004963.3); short protein forms E344K.
Identifiers: ClinVar variation 1963494 (VCV001963494.8), dbSNP rs777940200, ClinGen allele CA6463584.